The following is an entry in ClinVar:

ClinVar aggregate classification (germline): Uncertain significance. Review status: criteria provided, multiple submitters, no conflicts (2 of 4 stars). 2 submissions from 2 submitters: Uncertain significance (2). Last evaluated 2026-03-03.

Submissions (2):

GeneDx
Classification: Uncertain significance. Last evaluated: 2026-03-03. Review status: criteria provided, single submitter. Criteria: GeneDx Variant Classification Process June 2021. Collection method: clinical testing. Allele origin: germline.
Comment: Not observed at significant frequency in large population cohorts (gnomAD); In silico analysis supports that this missense variant has a deleterious effect on protein structure/function; Has not been previously published as pathogenic or benign to our knowledge

Labcorp Genetics (formerly Invitae), Labcorp
Classification: Uncertain significance. Last evaluated: 2025-07-06. Review status: criteria provided, single submitter. Criteria: Invitae Variant Classification Sherloc (09022015). Collection method: clinical testing. Allele origin: germline.
Comment: This sequence change replaces leucine, which is neutral and non-polar, with tryptophan, which is neutral and slightly polar, at codon 668 of the MACF1 protein (p.Leu668Trp). This variant is not present in population databases (gnomAD no frequency). This variant has not been reported in the literature in individuals affected with MACF1-related conditions. An algorithm developed to predict the effect of missense changes on protein structure and function (PolyPhen-2) suggests that this variant is likely to be tolerated. In summary, the available evidence is currently insufficient to determine the role of this variant in disease. Therefore, it has been classified as a Variant of Uncertain Significance.

NM_001394062.1(MACF1):c.1988T>G (p.Leu663Trp)

Gene: MACF1 (microtubule actin crosslinking factor 1; plus strand). Cytogenetic location: 1p34.3.
Variant type: single nucleotide variant.
Coding change: c.1988T>G on transcript NM_001394062.1 (MANE Select); coding-DNA position 1988, T replaced by G.
Protein change: p.Leu663Trp; replaces leucine 663 with tryptophan.
Molecular consequence: missense variant.
Genome position (GRCh38, 1-based): chr1:39,292,839, T>G. VCF-style: chr1-39292839-T-G. GRCh37 (hg19) VCF-style: chr1-39758511-T-G.
Other names: c.2003T>G, p.Leu668Trp (NM_012090.5); short protein forms L668W, L663W.
Identifiers: ClinVar variation 4722809 (VCV004722809.2).